The following is an entry in ClinVar:

NM_003036.4(SKI):c.1642G>T (p.Ala548Ser)

Gene: SKI (SKI proto-oncogene; plus strand). Cytogenetic location: 1p36.32.
Variant type: single nucleotide variant.
Coding change: c.1642G>T on transcript NM_003036.4 (MANE Select); coding-DNA position 1642, G replaced by T.
Protein change: p.Ala548Ser; replaces alanine 548 with serine.
Molecular consequence: missense variant.
Genome position (GRCh38, 1-based): chr1:2,304,460, G>T. VCF-style: chr1-2304460-G-T. GRCh37 (hg19) VCF-style: chr1-2235899-G-T.
Other names: short protein forms A548S.
Identifiers: ClinVar variation 1313342 (VCV001313342.6), dbSNP rs1434790266, ClinGen allele CA337957568.

ClinVar aggregate classification (germline): Uncertain significance. Review status: criteria provided, multiple submitters, no conflicts (2 of 4 stars). 2 submissions from 2 submitters: Uncertain significance (2). Last evaluated 2022-06-29.

Conditions:
Shprintzen-Goldberg syndrome (SGS). Also called: SHPRINTZEN-GOLDBERG CRANIOSYNOSTOSIS SYNDROME; CRANIOSYNOSTOSIS WITH ARACHNODACTYLY AND ABDOMINAL HERNIAS; Marfanoid disorder with craniosynostosis type 1; Marfanoid craniosynostosis syndrome; Shprintzen-Goldberg marfanoid syndrome. Identifiers: Orphanet 2462, MedGen C1321551, MONDO:0008426, OMIM 182212.

gnomAD v4.1: 4 of 1,568,562 alleles (0.00026%); highest among the groups gnomAD compares: Non-Finnish European, 0.00026%; no homozygotes.

Submissions (2):

Labcorp Genetics (formerly Invitae), Labcorp
Classification: Uncertain significance for Shprintzen-Goldberg syndrome. Last evaluated: 2022-06-29. Review status: criteria provided, single submitter. Criteria: Invitae Variant Classification Sherloc (09022015). Collection method: clinical testing. Allele origin: germline.
Comment: In summary, the available evidence is currently insufficient to determine the role of this variant in disease. Therefore, it has been classified as a Variant of Uncertain Significance. Advanced modeling of protein sequence and biophysical properties (such as structural, functional, and spatial information, amino acid conservation, physicochemical variation, residue mobility, and thermodynamic stability) performed at Invitae indicates that this missense variant is not expected to disrupt SKI protein function. ClinVar contains an entry for this variant (Variation ID: 1313342). This variant has not been reported in the literature in individuals affected with SKI-related conditions. This sequence change replaces alanine, which is neutral and non-polar, with serine, which is neutral and polar, at codon 548 of the SKI protein (p.Ala548Ser). This variant is not present in population databases (gnomAD no frequency).

GeneDx
Classification: Uncertain significance. Last evaluated: 2020-10-16. Review status: criteria provided, single submitter. Criteria: GeneDx Variant Classification Process June 2021. Collection method: clinical testing. Allele origin: germline. Affected: yes.
Comment: Not observed in large population cohorts (Lek et al., 2016); In silico analysis supports that this missense variant does not alter protein structure/function; Has not been previously published as pathogenic or benign to our knowledge